The following is an entry in ClinVar:

ClinVar aggregate classification (germline): Uncertain significance (1 of 4 stars; one submission).

Submission:

Labcorp Genetics (formerly Invitae), Labcorp
Classification: Uncertain significance. Last evaluated: 2025-12-11. Review status: criteria provided, single submitter. Criteria: Invitae Variant Classification Sherloc (09022015). Collection method: clinical testing. Allele origin: germline.
Comment: This sequence change replaces valine, which is neutral and non-polar, with alanine, which is neutral and non-polar, at codon 871 of the ANLN protein (p.Val871Ala). This variant is not present in population databases (gnomAD no frequency). This variant has not been reported in the literature in individuals affected with ANLN-related conditions. Invitae Evidence Modeling of protein sequence and biophysical properties (such as structural, functional, and spatial information, amino acid conservation, physicochemical variation, residue mobility, and thermodynamic stability) indicates that this missense variant is not expected to disrupt ANLN protein function with a negative predictive value of 80%. In summary, the available evidence is currently insufficient to determine the role of this variant in disease. Therefore, it has been classified as a Variant of Uncertain Significance.

NM_018685.5(ANLN):c.2612T>C (p.Val871Ala)

Gene: ANLN (anillin, actin binding protein; plus strand). Cytogenetic location: 7p14.2.
Variant type: single nucleotide variant.
Coding change: c.2612T>C on transcript NM_018685.5 (MANE Select); coding-DNA position 2612, T replaced by C.
Protein change: p.Val871Ala; replaces valine 871 with alanine.
Molecular consequence: missense variant.
Genome position (GRCh38, 1-based): chr7:36,424,553, T>C. VCF-style: chr7-36424553-T-C. GRCh37 (hg19) VCF-style: chr7-36464162-T-C.
Other names: c.2501T>C, p.Val834Ala (NM_001284301.3); c.2498T>C, p.Val833Ala (NM_001284302.3); short protein forms V871A, V833A, V834A.
Identifiers: ClinVar variation 4767970 (VCV004767970.1).